The following is an entry in ClinVar:

ClinVar aggregate classification (germline): Uncertain significance. Review status: criteria provided, multiple submitters, no conflicts (2 of 4 stars). 2 submissions from 2 submitters: Uncertain significance (2). Last evaluated 2025-12-22.

Submissions (2):

Labcorp Genetics (formerly Invitae), Labcorp
Classification: Uncertain significance. Last evaluated: 2025-12-22. Review status: criteria provided, single submitter. Criteria: Invitae Variant Classification Sherloc (09022015). Collection method: clinical testing. Allele origin: germline.
Comment: This variant, c.4687_4695del, results in the deletion of 3 amino acid(s) of the VCAN protein (p.Ala1563_Ala1565del), but otherwise preserves the integrity of the reading frame. This variant is present in population databases (no rsID available, gnomAD 0.0009%). This variant has not been reported in the literature in individuals affected with VCAN-related conditions. Experimental studies and prediction algorithms are not available or were not evaluated, and the functional significance of this variant is currently unknown. In summary, the available evidence is currently insufficient to determine the role of this variant in disease. Therefore, it has been classified as a Variant of Uncertain Significance.

Blueprint Genetics
Classification: Uncertain significance. Last evaluated: 2019-03-18. Review status: criteria provided, single submitter. Criteria: ACMG Guidelines, 2015. Collection method: clinical testing. Allele origin: germline.

NM_004385.5(VCAN):c.4687_4695del (p.Ala1563_Ala1565del)

Genes: VCAN (versican; plus strand), VCAN-AS1 (VCAN antisense RNA 1; minus strand). Cytogenetic location: 5q14.3.
Variant type: Deletion.
Coding change: c.4687_4695del on transcript NM_004385.5 (MANE Select); coding-DNA positions 4687 to 4695, 9 bases deleted (GCAAGGGCT; older notation c.4687_4695delGCAAGGGCT).
Protein change: p.Ala1563_Ala1565del.
Molecular consequence: intron variant (on NM_001164098.2).
Genome position (GRCh38, 1-based): chr5:83,537,690-83,537,698, GCAAGGGCT deleted; deleting any 9 consecutive bases within chr5:83,537,689-83,537,698 gives the same sequence; the c. name uses the placement nearest the transcript's 3' end. VCF-style (leftmost placement, unchanged base first): chr5-83537688-TTGCAAGGGC-T. GRCh37 (hg19) VCF-style: chr5-82833507-TTGCAAGGGC-T.
Other names: c.1726_1734del, p.Ala576_Ala578del (NM_001164097.2); c.4004-7847_4004-7839del (NM_001164098.2); c.1043-7847_1043-7839del (NM_001126336.3).
Identifiers: ClinVar variation 4760993 (VCV004760993.2).